The following is an entry in ClinVar:

NM_003183.6(ADAM17):c.1345-3A>G

Genes: ADAM17 (ADAM metallopeptidase domain 17; minus strand), IAH1 (isoamyl acetate hydrolyzing esterase 1 (putative); plus strand). Cytogenetic location: 2p25.1.
Variant type: single nucleotide variant.
Coding change: c.1345-3A>G on transcript NM_003183.6 (MANE Select); 3 bases into the intron before coding-DNA position 1345, A replaced by G.
Molecular consequence: intron variant.
Genome position (GRCh38, 1-based): chr2:9,505,368, T>C on the plus strand (A>G on the coding strand, the complement: ADAM17 is on the minus strand). VCF-style: chr2-9505368-T-C. GRCh37 (hg19) VCF-style: chr2-9645497-T-C.
Other names: c.685-3A>G (NM_001382777.1); c.448-3A>G (NM_001382778.1).
Identifiers: ClinVar variation 969972 (VCV000969972.8), dbSNP rs377134738, ClinGen allele CA1523510.

ClinVar aggregate classification (germline): Uncertain significance (1 of 4 stars; one submission).

Conditions:
Inflammatory skin and bowel disease, neonatal, 1. Identifiers: Orphanet 294023, MedGen C3280501, MONDO:0013693, OMIM 614328.

Allele frequency attached by ClinVar (database versions not stated): TOPMed 0.00002; gnomAD 0.00003 and 0.00004; ESP Exome Variant Server 0.00008.
gnomAD v4.1: 73 of 1,613,426 alleles (0.0045%); highest among the groups gnomAD compares: Non-Finnish European, 0.0058%; no homozygotes.

Submission:

Labcorp Genetics (formerly Invitae), Labcorp
Classification: Uncertain significance for Inflammatory skin and bowel disease, neonatal, 1. Last evaluated: 2024-01-10. Review status: criteria provided, single submitter. Criteria: Invitae Variant Classification Sherloc (09022015). Collection method: clinical testing. Allele origin: germline.
Comment: This sequence change falls in intron 11 of the ADAM17 gene. It does not directly change the encoded amino acid sequence of the ADAM17 protein. It affects a nucleotide within the consensus splice site. This variant is present in population databases (rs377134738, gnomAD 0.003%). This variant has not been reported in the literature in individuals affected with ADAM17-related conditions. ClinVar contains an entry for this variant (Variation ID: 969972). Variants that disrupt the consensus splice site are a relatively common cause of aberrant splicing (PMID: 17576681, 9536098). Algorithms developed to predict the effect of sequence changes on RNA splicing suggest that this variant may disrupt the consensus splice site. In summary, the available evidence is currently insufficient to determine the role of this variant in disease. Therefore, it has been classified as a Variant of Uncertain Significance.

Literature cited by the submitters: PubMed 17576681; PubMed 9536098.